The following is an entry in ClinVar:

ClinVar aggregate classification (germline): Benign. Review status: criteria provided, single submitter (1 of 4 stars). 2 submissions from 2 submitters: Benign (1). 1 of the submissions does not count toward it. Last evaluated 2025-11-30.
ClinVar aggregate classification (somatic clinical impact): Tier III - Unknown (1 of 4 stars; one submission).

Conditions:
Kabuki syndrome. Also called: Kabuki make-up syndrome; NIIKAWA-KUROKI SYNDROME. Identifiers: Orphanet 2322, MedGen C0796004, MONDO:0016512.
KMT2D-related disorder. Also called: KMT2D-Related Disorders.
Primary central nervous system lymphoma. Identifiers: Orphanet 46135, MedGen C0280803, MONDO:0002571, HP:0030069.

Allele frequency attached by ClinVar (database versions not stated): TOPMed 0.00007; 1000 Genomes Project 30x 0.00016; 1000 Genomes Project 0.00020; gnomAD 0.00002; gnomAD exomes 0.00003; ExAC 0.00008.
gnomAD v4.1: 42 of 1,550,750 alleles (0.0027%); highest among the groups gnomAD compares: East Asian, 0.056%; no homozygotes.

Submissions (3):

Labcorp Genetics (formerly Invitae), Labcorp
Classification: Benign for Kabuki syndrome. Last evaluated: 2025-11-30. Review status: criteria provided, single submitter. Criteria: Invitae Variant Classification Sherloc (09022015). Collection method: clinical testing. Allele origin: germline.

National Institute of Cancer Research, National Health Research Institutes
Classification: Tier III - Unknown for Primary central nervous system lymphoma. Review status: criteria provided, single submitter. Criteria: AMP/ASCO/CAP Guidelines, 2017. Collection method: clinical testing. Allele origin: somatic. Affected: yes.

PreventionGenetics, part of Exact Sciences
Classification: Likely benign for KMT2D-related condition. Last evaluated: 2022-06-02. Review status: no assertion criteria provided. Collection method: clinical testing. Allele origin: germline. Not counted in ClinVar's aggregate classification.
Comment: This variant is classified as likely benign based on ACMG/AMP sequence variant interpretation guidelines (Richards et al. 2015 PMID: 25741868, with internal and published modifications).

NM_003482.4(KMT2D):c.12863G>A (p.Arg4288Gln)

Gene: KMT2D (lysine methyltransferase 2D; minus strand). Cytogenetic location: 12q13.12.
Variant type: single nucleotide variant.
Coding change: c.12863G>A on transcript NM_003482.4 (MANE Select); coding-DNA position 12863, G replaced by A.
Protein change: p.Arg4288Gln; replaces arginine 4288 with glutamine.
Molecular consequence: missense variant.
Genome position (GRCh38, 1-based): chr12:49,031,842, C>T on the plus strand (G>A on the coding strand, the complement: KMT2D is on the minus strand). VCF-style: chr12-49031842-C-T. GRCh37 (hg19) VCF-style: chr12-49425625-C-T.
Other names: short protein forms R4288Q.
Identifiers: ClinVar variation 2901808 (VCV002901808.6), dbSNP rs576644174, ClinGen allele CA6546115.
Genomic context (GRCh38, chr12:49,031,842, plus strand): 5'-GTGGGATGGACAGGGCCAAGGACTGGTCCTGTAGATAAGGCTCCTGGTGGGGCAGGGAGC[C>T]GGGGTGGGCCCTGAGGTCGAGGCCCTGCCCCTAGCTCCTGGAGGGGGCCTGTCTGTGGTC-3'
Protein context (NP_003473.3, residues 4278-4298): GAGPRPQGPP[Arg4288Gln]LPAPPGALST